The following is an entry in ClinVar:

NM_000273.3(GPR143):c.276G>T (p.Trp92Cys)

Gene: GPR143 (G protein-coupled receptor 143; minus strand). Cytogenetic location: Xp22.2.
Variant type: single nucleotide variant.
Coding change: c.276G>T on transcript NM_000273.3 (MANE Select); coding-DNA position 276, G replaced by T.
Protein change: p.Trp92Cys; replaces tryptophan 92 with cysteine.
Molecular consequence: missense variant.
Genome position (GRCh38, 1-based): chrX:9,760,801, C>A on the plus strand (G>T on the coding strand, the complement: GPR143 is on the minus strand). VCF-style: chrX-9760801-C-A. GRCh37 (hg19) VCF-style: chrX-9728841-C-A.
Other names: c.276G>T (NM_000273.2); short protein forms W92C.
Identifiers: ClinVar variation 1450767 (VCV001450767.10), dbSNP rs750922415, ClinGen allele CA10345070.

ClinVar aggregate classification (germline): Uncertain significance. Review status: criteria provided, multiple submitters, no conflicts (2 of 4 stars). 2 submissions from 2 submitters: Uncertain significance (2). Last evaluated 2025-11-07.

Conditions:
Inborn genetic diseases. Identifiers: MedGen C0950123, MeSH D030342.

Allele frequency attached by ClinVar (database versions not stated): gnomAD exomes below 0.00001; gnomAD 0.00003 and 0.00004; ExAC 0.00005; TOPMed 0.00005; 1000 Genomes Project 30x 0.00021; 1000 Genomes Project 0.00026.
gnomAD v4.1: 9 of 1,155,205 alleles (0.00078%); highest among the groups gnomAD compares: African/African-American, 0.011%; no homozygotes.

Submissions (2):

Ambry Genetics
Classification: Uncertain significance for Inborn genetic diseases. Last evaluated: 2025-11-07. Review status: criteria provided, single submitter. Criteria: Ambry Variant Classification Scheme 2023. Collection method: clinical testing. Allele origin: germline.

Labcorp Genetics (formerly Invitae), Labcorp
Classification: Uncertain significance. Last evaluated: 2025-08-23. Review status: criteria provided, single submitter. Criteria: Invitae Variant Classification Sherloc (09022015). Collection method: clinical testing. Allele origin: germline.
Comment: This sequence change replaces tryptophan, which is neutral and slightly polar, with cysteine, which is neutral and slightly polar, at codon 92 of the GPR143 protein (p.Trp92Cys). The frequency data for this variant in the population databases is considered unreliable, as metrics indicate poor data quality at this position in the gnomAD database. This variant has not been reported in the literature in individuals affected with GPR143-related conditions. ClinVar contains an entry for this variant (Variation ID: 1450767). Invitae Evidence Modeling of protein sequence and biophysical properties (such as structural, functional, and spatial information, amino acid conservation, physicochemical variation, residue mobility, and thermodynamic stability) indicates that this missense variant is expected to disrupt GPR143 protein function with a positive predictive value of 95%. In summary, the available evidence is currently insufficient to determine the role of this variant in disease. Therefore, it has been classified as a Variant of Uncertain Significance.